The following is an entry in ClinVar:

ClinVar aggregate classification (germline): Benign. Review status: criteria provided, single submitter (1 of 4 stars). 2 submissions from 2 submitters: Benign (1). 1 of the submissions does not count toward it. Last evaluated 2015-05-12.

Conditions:
KCNQ2-Related Disorders. Also called: KCNQ2-related condition; KCNQ2-related disorder. Identifiers: MedGen CN169299.

Allele frequency attached by ClinVar (database versions not stated): TOPMed 0.00014; 1000 Genomes Project 30x 0.00016.
gnomAD v4.1: 49 of 1,611,554 alleles (0.003%); highest among the groups gnomAD compares: African/African-American, 0.053%; no homozygotes.

Submissions (2):

GeneDx
Classification: Benign. Last evaluated: 2015-05-12. Review status: criteria provided, single submitter. Criteria: GeneDx Variant Classification (06012015). Collection method: clinical testing. Allele origin: germline. Affected: yes.
Comment: This variant is considered likely benign or benign based on one or more of the following criteria: it is a conservative change, it occurs at a poorly conserved position in the protein, it is predicted to be benign by multiple in silico algorithms, and/or has population frequency not consistent with disease.

PreventionGenetics, part of Exact Sciences
Classification: Likely benign for KCNQ2-related condition. Last evaluated: 2019-10-25. Review status: no assertion criteria provided. Collection method: clinical testing. Allele origin: germline. Not counted in ClinVar's aggregate classification.
Comment: This variant is classified as likely benign based on ACMG/AMP sequence variant interpretation guidelines (Richards et al. 2015 PMID: 25741868, with internal and published modifications).

NM_172107.4(KCNQ2):c.1118+69C>T

Gene: KCNQ2 (potassium voltage-gated channel subfamily Q member 2; minus strand). Cytogenetic location: 20q13.33.
Variant type: single nucleotide variant.
Coding change: c.1118+69C>T on transcript NM_172107.4 (MANE Select); 69 bases into the intron after coding-DNA position 1118, C replaced by T.
Molecular consequence: intron variant. On other transcripts: 3 prime UTR variant (1).
Genome position (GRCh38, 1-based): chr20:63,433,740, G>A on the plus strand (C>T on the coding strand, the complement: KCNQ2 is on the minus strand). VCF-style: chr20-63433740-G-A. GRCh37 (hg19) VCF-style: chr20-62065093-G-A.
Other names: c.*5C>T (NM_172109.3); c.1118+69C>T (NM_004518.6, NM_172108.5, NM_172106.3 and 1 more transcripts).
Identifiers: ClinVar variation 378025 (VCV000378025.3), dbSNP rs142571798, ClinGen allele CA9958623.